The following is an entry in ClinVar:

ClinVar aggregate classification (germline): Uncertain significance (1 of 4 stars; one submission).

Conditions:
Hereditary cancer-predisposing syndrome. Also called: Hereditary Cancer Syndrome; Hereditary neoplastic syndrome; Neoplastic Syndromes, Hereditary; Tumor predisposition. Identifiers: Orphanet 140162, MedGen C0027672, MeSH D009386, MONDO:0015356.

Submission:

Sema4
Classification: Uncertain significance for Hereditary cancer-predisposing syndrome. Last evaluated: 2021-12-18. Review status: criteria provided, single submitter. Criteria: Sema4 Curation Guidelines. Collection method: curation. Allele origin: germline.
Comment: The NF1 c.263A>G (p.D88G) variant has been reported in one case and no controls in a large dataset of 60,466 women with breast cancer and 53,461 controls (PMID: 33471991). It was not observed in the large and broad cohorts of the Genome Aggregation Database (PMID: 32461654). This variant has not been reported in ClinVar. In silico tools suggest the impact of the variant on protein function is deleterious, though these predictions have not been confirmed by functional studies. The evidence is insufficient to meet ACMG/AMP criteria for classifying the variant as benign or pathogenic. Thus, the clinical significance of this variant is currently uncertain.

Literature cited by the submitters: PubMed 33471991.

NM_001042492.3(NF1):c.263A>G (p.Asp88Gly)

Gene: NF1 (neurofibromin 1; plus strand). Cytogenetic location: 17q11.2.
Variant type: single nucleotide variant.
Coding change: c.263A>G on transcript NM_001042492.3 (MANE Select); coding-DNA position 263, A replaced by G.
Protein change: p.Asp88Gly; replaces aspartic acid 88 with glycine.
Molecular consequence: missense variant.
Genome position (GRCh38, 1-based): chr17:31,159,068, A>G. VCF-style: chr17-31159068-A-G. GRCh37 (hg19) VCF-style: chr17-29486086-A-G.
Other names: c.263A>G, p.Asp88Gly (NM_000267.4, NM_001128147.3); short protein forms D88G.
Identifiers: ClinVar variation 1692325 (VCV001692325.1), dbSNP rs2143646326, ClinGen allele CA398989742.